The following is an entry in ClinVar:

NM_000095.3(COMP):c.4G>T (p.Val2Phe)

Gene: COMP (cartilage oligomeric matrix protein; minus strand). Cytogenetic location: 19p13.11.
Variant type: single nucleotide variant.
Coding change: c.4G>T on transcript NM_000095.3 (MANE Select); coding-DNA position 4, G replaced by T.
Protein change: p.Val2Phe; replaces valine 2 with phenylalanine.
Molecular consequence: missense variant.
Genome position (GRCh38, 1-based): chr19:18,791,266, C>A on the plus strand (G>T on the coding strand, the complement: COMP is on the minus strand). VCF-style: chr19-18791266-C-A. GRCh37 (hg19) VCF-style: chr19-18902075-C-A.
Other names: short protein forms V2F.
Identifiers: ClinVar variation 3620968 (VCV003620968.2).

ClinVar aggregate classification (germline): Uncertain significance (1 of 4 stars; one submission).

Submission:

Labcorp Genetics (formerly Invitae), Labcorp
Classification: Uncertain significance. Last evaluated: 2025-10-06. Review status: criteria provided, single submitter. Criteria: Invitae Variant Classification Sherloc (09022015). Collection method: clinical testing. Allele origin: germline.
Comment: This sequence change replaces valine, which is neutral and non-polar, with phenylalanine, which is neutral and non-polar, at codon 2 of the COMP protein (p.Val2Phe). The frequency data for this variant in the population databases is considered unreliable, as metrics indicate poor data quality at this position in the gnomAD database. This variant has not been reported in the literature in individuals affected with COMP-related conditions. ClinVar contains an entry for this variant (Variation ID: 3620968). Invitae Evidence Modeling of protein sequence and biophysical properties (such as structural, functional, and spatial information, amino acid conservation, physicochemical variation, residue mobility, and thermodynamic stability) has been performed for this missense variant. However, the output from this modeling did not meet the statistical confidence thresholds required to predict the impact of this variant on COMP protein function. In summary, the available evidence is currently insufficient to determine the role of this variant in disease. Therefore, it has been classified as a Variant of Uncertain Significance.